The following is an entry in ClinVar:

ClinVar aggregate classification (germline): Uncertain significance (1 of 4 stars; one submission).

Conditions:
Cardiovascular phenotype. Identifiers: MedGen CN230736.

Allele frequency attached by ClinVar (database versions not stated): ExAC 0.00007; gnomAD 0.00001.
gnomAD v4.1: 9 of 1,550,250 alleles (0.00058%); highest among the groups gnomAD compares: African/African-American, 0.0082%; no homozygotes.

Submission:

Ambry Genetics
Classification: Uncertain significance for Cardiovascular phenotype. Last evaluated: 2025-04-30. Review status: criteria provided, single submitter. Criteria: Ambry Variant Classification Scheme 2023. Collection method: clinical testing. Allele origin: germline.
Comment: The p.E2431K variant (also known as c.7291G>A), located in coding exon 2 of the ZNF469 gene, results from a G to A substitution at nucleotide position 7291. The glutamic acid at codon 2431 is replaced by lysine, an amino acid with similar properties. This amino acid position is conserved. In addition, this alteration is predicted to be tolerated by in silico analysis. Since supporting evidence is limited at this time, the clinical significance of this alteration remains unclear.

NM_001367624.2(ZNF469):c.7375G>A (p.Glu2459Lys)

Gene: ZNF469 (zinc finger protein 469; plus strand). Cytogenetic location: 16q24.2.
Variant type: single nucleotide variant.
Coding change: c.7375G>A on transcript NM_001367624.2 (MANE Select); coding-DNA position 7375, G replaced by A.
Protein change: p.Glu2459Lys; replaces glutamic acid 2459 with lysine.
Molecular consequence: missense variant.
Genome position (GRCh38, 1-based): chr16:88,434,845, G>A. VCF-style: chr16-88434845-G-A. GRCh37 (hg19) VCF-style: chr16-88501253-G-A.
Other names: NM_001127464.1:c.7291G>A; short protein forms E2459K.
Identifiers: ClinVar variation 2207504 (VCV002207504.3), dbSNP rs752904821, ClinGen allele CA8225240.